The following is an entry in ClinVar:

ClinVar aggregate classification (germline): Uncertain significance. Review status: criteria provided, multiple submitters, no conflicts (2 of 4 stars). 2 submissions from 2 submitters: Uncertain significance (2). Last evaluated 2025-10-07.

Allele frequency attached by ClinVar (database versions not stated): gnomAD exomes below 0.00001; gnomAD 0.00001.
gnomAD v4.1: 4 of 1,613,916 alleles (0.00025%); highest among the groups gnomAD compares: Admixed American, 0.0033%; no homozygotes.

Submissions (2):

Ambry Genetics
Classification: Uncertain significance. Last evaluated: 2025-10-07. Review status: criteria provided, single submitter. Criteria: Ambry Variant Classification Scheme 2023. Collection method: clinical testing. Allele origin: germline.

Labcorp Genetics (formerly Invitae), Labcorp
Classification: Uncertain significance. Last evaluated: 2022-11-11. Review status: criteria provided, single submitter. Criteria: Invitae Variant Classification Sherloc (09022015). Collection method: clinical testing. Allele origin: germline.
Comment: In summary, the available evidence is currently insufficient to determine the role of this variant in disease. Therefore, it has been classified as a Variant of Uncertain Significance. Algorithms developed to predict the effect of missense changes on protein structure and function (SIFT, PolyPhen-2, Align-GVGD) all suggest that this variant is likely to be tolerated. This variant has not been reported in the literature in individuals affected with IARS-related conditions. This variant is not present in population databases (gnomAD no frequency). This sequence change replaces serine, which is neutral and polar, with arginine, which is basic and polar, at codon 1116 of the IARS protein (p.Ser1116Arg).

NM_002161.6(IARS1):c.3346A>C (p.Ser1116Arg)

Gene: IARS1 (isoleucyl-tRNA synthetase 1; minus strand). Cytogenetic location: 9q22.31.
Variant type: single nucleotide variant.
Coding change: c.3346A>C on transcript NM_002161.6 (MANE Select); coding-DNA position 3346, A replaced by C.
Protein change: p.Ser1116Arg; replaces serine 1116 with arginine.
Molecular consequence: missense variant. On other transcripts: non-coding transcript variant (1).
Genome position (GRCh38, 1-based): chr9:92,229,064, T>G on the plus strand (A>C on the coding strand, the complement: IARS1 is on the minus strand). VCF-style: chr9-92229064-T-G. GRCh37 (hg19) VCF-style: chr9-94991346-T-G.
Other names: c.3346A>C (NM_013417.2); c.3367A>C, p.Ser1123Arg (NM_001378571.1); c.3346A>C, p.Ser1116Arg (NM_001378572.1, NM_001378573.1, NM_001378574.1 and 9 more transcripts); c.3250A>C, p.Ser1084Arg (NM_001378582.1); c.3223A>C, p.Ser1075Arg (NM_001378583.1); c.3271A>C, p.Ser1091Arg (NM_001378584.1, NM_001374299.1, NM_001374300.1); c.3262A>C, p.Ser1088Arg (NM_001374301.1); c.3409A>C, p.Ser1137Arg (NM_001378569.1); short protein forms S1088R, S1084R, S1116R, S1123R, S1137R, S1075R, S1091R.
Identifiers: ClinVar variation 3004859 (VCV003004859.4), dbSNP rs1039178760, ClinGen allele CA195388387.